The following is an entry in ClinVar:

NM_201596.3(CACNB2):c.1793G>C (p.Ser598Thr)

Gene: CACNB2 (calcium voltage-gated channel auxiliary subunit beta 2; plus strand). Cytogenetic location: 10p12.31.
Variant type: single nucleotide variant.
Coding change: c.1793G>C on transcript NM_201596.3 (MANE Select); coding-DNA position 1793, G replaced by C.
Protein change: p.Ser598Thr; replaces serine 598 with threonine.
Molecular consequence: missense variant.
Genome position (GRCh38, 1-based): chr10:18,539,534, G>C. VCF-style: chr10-18539534-G-C. GRCh37 (hg19) VCF-style: chr10-18828463-G-C.
Other names: c.1628G>C, p.Ser543Thr (NM_000724.4); c.1595G>C, p.Ser532Thr (NM_001167945.2); c.1514G>C, p.Ser505Thr (NM_001330060.2); c.1535G>C, p.Ser512Thr (NM_001410882.1); c.1649G>C, p.Ser550Thr (NM_201570.3); c.1709G>C, p.Ser570Thr (NM_201571.4); c.1637G>C, p.Ser546Thr (NM_201572.4); c.1631G>C, p.Ser544Thr (NM_201590.3); and 2 more; short protein forms S532T, S544T, S560T, S512T, S546T, S550T, S574T, S598T.
Identifiers: ClinVar variation 2843404 (VCV002843404.3), dbSNP rs2494917921, ClinGen allele CA376072265.
Genomic context (GRCh38, chr10:18,539,534, plus strand): 5'-ACGTGGACCACTATGCCTCACACCGTGACCACAACCACAGAGACGAGACCCACGGGAGCA[G>C]TGACCACAGACACAGGGAGTCCCGGCACCGTTCCCGGGACGTGGATCGAGAGCAGGACCA-3'
Protein context (NP_963890.2, residues 588-608): HNHRDETHGS[Ser598Thr]DHRHRESRHR

ClinVar aggregate classification (germline): Uncertain significance (1 of 4 stars; one submission).

Conditions:
Brugada syndrome 4 (BRGDA4). Identifiers: Orphanet 130, MedGen C2678477, MONDO:0012743, OMIM 611876.

Allele frequency attached by ClinVar (database versions not stated): gnomAD exomes below 0.00001.
gnomAD v4.1: 2 of 1,613,882 alleles (0.00012%); highest among the groups gnomAD compares: Non-Finnish European, 0.00017%; no homozygotes.

Submission:

Labcorp Genetics (formerly Invitae), Labcorp
Classification: Uncertain significance for Brugada syndrome 4. Last evaluated: 2025-06-23. Review status: criteria provided, single submitter. Criteria: Invitae Variant Classification Sherloc (09022015). Collection method: clinical testing. Allele origin: germline.
Comment: This sequence change replaces serine, which is neutral and polar, with threonine, which is neutral and polar, at codon 544 of the CACNB2 protein (p.Ser544Thr). This variant is not present in population databases (gnomAD no frequency). This variant has not been reported in the literature in individuals affected with CACNB2-related conditions. ClinVar contains an entry for this variant (Variation ID: 2843404). An algorithm developed to predict the effect of missense changes on protein structure and function (PolyPhen-2) suggests that this variant is likely to be tolerated. In summary, the available evidence is currently insufficient to determine the role of this variant in disease. Therefore, it has been classified as a Variant of Uncertain Significance.